The following is an entry in ClinVar:

ClinVar aggregate classification (germline): Uncertain significance. Review status: criteria provided, multiple submitters, no conflicts (2 of 4 stars). 2 submissions from 2 submitters: Uncertain significance (2). Last evaluated 2023-12-11.

Conditions:
Inborn genetic diseases. Identifiers: MedGen C0950123, MeSH D030342.

gnomAD v4.1: 4 of 1,613,014 alleles (0.00025%); highest among the groups gnomAD compares: African/African-American, 0.0027%; no homozygotes.

Submissions (2):

Ambry Genetics
Classification: Uncertain significance for Inborn genetic diseases. Last evaluated: 2023-12-11. Review status: criteria provided, single submitter. Criteria: Ambry Variant Classification Scheme 2023. Collection method: clinical testing. Allele origin: germline.

Labcorp Genetics (formerly Invitae), Labcorp
Classification: Uncertain significance. Last evaluated: 2022-08-23. Review status: criteria provided, single submitter. Criteria: Invitae Variant Classification Sherloc (09022015). Collection method: clinical testing. Allele origin: germline.
Comment: This sequence change replaces tryptophan, which is neutral and slightly polar, with leucine, which is neutral and non-polar, at codon 372 of the ADSSL1 protein (p.Trp372Leu). This variant is present in population databases (rs144330253, gnomAD 0.007%). This variant has not been reported in the literature in individuals affected with ADSSL1-related conditions. Algorithms developed to predict the effect of missense changes on protein structure and function are either unavailable or do not agree on the potential impact of this missense change (SIFT: "Not Available"; PolyPhen-2: "Benign"; Align-GVGD: "Not Available"). In summary, the available evidence is currently insufficient to determine the role of this variant in disease. Therefore, it has been classified as a Variant of Uncertain Significance.

NM_152328.5(ADSS1):c.986G>T (p.Trp329Leu)

Gene: ADSS1 (adenylosuccinate synthase 1; plus strand). Cytogenetic location: 14q32.33.
Variant type: single nucleotide variant.
Coding change: c.986G>T on transcript NM_152328.5 (MANE Select); coding-DNA position 986, G replaced by T.
Protein change: p.Trp329Leu; replaces tryptophan 329 with leucine.
Molecular consequence: missense variant.
Genome position (GRCh38, 1-based): chr14:104,743,104, G>T. VCF-style: chr14-104743104-G-T. GRCh37 (hg19) VCF-style: chr14-105209441-G-T.
Other names: c.371G>T, p.Trp124Leu (NM_001320424.1); c.1115G>T, p.Trp372Leu (NM_199165.2); c.1115G>T (NM_199165.1); short protein forms W329L, W372L, W124L.
Identifiers: ClinVar variation 2188769 (VCV002188769.4), dbSNP rs144330253, ClinGen allele CA7373969.